The following is an entry in ClinVar:

ClinVar aggregate classification (germline): Uncertain significance (1 of 4 stars; one submission).

Conditions:
Fanconi anemia (FA). Also called: Fanconi's anemia. Identifiers: Orphanet 84, MedGen C0015625, MeSH D005199, MONDO:0019391.

Submission:

Labcorp Genetics (formerly Invitae), Labcorp
Classification: Uncertain significance for Fanconi anemia. Last evaluated: 2023-12-04. Review status: criteria provided, single submitter. Criteria: Invitae Variant Classification Sherloc (09022015). Collection method: clinical testing. Allele origin: germline.
Comment: This variant results in a copy number gain of the genomic region encompassing exon(s) 1-21 of the FANCA gene. This region includes the initiator codon of the gene. This copy number gain extends beyond the assayed region for this gene and therefore may encompass additional genes. As the precise location of this event is unknown, it may be in tandem or it may be located elsewhere in the genome. This variant has not been reported in the literature in individuals affected with FANCA-related conditions. Experimental studies and prediction algorithms are not available or were not evaluated, and the functional significance of this variant is currently unknown. In summary, the available evidence is currently insufficient to determine the role of this variant in disease. Therefore, it has been classified as a Variant of Uncertain Significance.

NC_000016.9:g.(?_89842130)_(89883023_?)dup

Gene: FANCA (FA complementation group A; minus strand). Cytogenetic location: 16q24.3.
Variant type: Duplication.
Identifiers: ClinVar variation 1409075 (VCV001409075.5).